The following is an entry in ClinVar:

ClinVar aggregate classification (germline): Uncertain significance (1 of 4 stars; one submission).

Conditions:
USP9X-related disorder. Also called: USP9X-related condition.

gnomAD v4.1: 1 of 1,198,601 alleles (0.000083%); highest among the groups gnomAD compares: Admixed American, 0.0023%; no homozygotes.

Submission:

PreventionGenetics, part of Exact Sciences
Classification: Uncertain significance for USP9X-related condition. Last evaluated: 2025-01-10. Review status: criteria provided, single submitter. Criteria: ACMG Guidelines, 2015. Collection method: clinical testing. Allele origin: germline.
Comment: The USP9X c.5324A>G variant is predicted to result in the amino acid substitution p.Asn1775Ser. To our knowledge, this variant has not been reported in the literature. This variant is reported in 0.0045% of alleles in individuals of Latino descent in gnomAD. At this time, the clinical significance of this variant is uncertain due to the absence of conclusive functional and genetic evidence.

NM_001039591.3(USP9X):c.5324A>G (p.Asn1775Ser)

Gene: USP9X (ubiquitin specific peptidase 9 X-linked; plus strand). Cytogenetic location: Xp11.4.
Variant type: single nucleotide variant.
Coding change: c.5324A>G on transcript NM_001039591.3 (MANE Select); coding-DNA position 5324, A replaced by G.
Protein change: p.Asn1775Ser; replaces asparagine 1775 with serine.
Molecular consequence: missense variant.
Genome position (GRCh38, 1-based): chrX:41,214,702, A>G. VCF-style: chrX-41214702-A-G. GRCh37 (hg19) VCF-style: chrX-41073955-A-G.
Other names: c.5324A>G, p.Asn1775Ser (NM_001039590.3); c.5339A>G, p.Asn1780Ser (NM_001410748.1, NM_001410749.1, NM_001437534.1); short protein forms N1775S, N1780S.
Identifiers: ClinVar variation 5000090 (VCV005000090.1).